The following is an entry in ClinVar:

NM_001354435.2(C4orf54):c.568C>A (p.Arg190=)

Gene: C4orf54 (chromosome 4 open reading frame 54; minus strand). Cytogenetic location: 4q23.
Variant type: single nucleotide variant.
Coding change: c.568C>A on transcript NM_001354435.2 (MANE Select); coding-DNA position 568, C replaced by A.
Protein change: p.Arg190=; no amino-acid change (arginine 190 retained).
Molecular consequence: synonymous variant.
Genome position (GRCh38, 1-based): chr4:99,654,081, G>T on the plus strand (C>A on the coding strand, the complement: C4orf54 is on the minus strand). VCF-style: chr4-99654081-G-T. GRCh37 (hg19) VCF-style: chr4-100575238-G-T.
Identifiers: ClinVar variation 1675950 (VCV001675950.33), dbSNP rs1276164322, ClinGen allele CA440509993.
Genomic context (GRCh38, chr4:99,654,081, plus strand): 5'-TCTGGGGACTCTCCCTCTGGACTTCAGCTGAAGCACACATGTCCACATATTTCGCTTCTC[G>T]CTGGGAGGAGGCTGAAGGCTTGGGAAGTGGCCACAGCTGCTGCTTGAGCTCCTGGCTGTC-3'
Protein context (NP_001341364.1, residues 180-200): PLPKPSASSQ[Arg190=]EAKYVDMCAS

ClinVar aggregate classification (germline): Likely benign (1 of 4 stars; one submission).

gnomAD v4.1: 9 of 1,536,134 alleles (0.00059%); highest among the groups gnomAD compares: Non-Finnish European, 0.0007%; no homozygotes.

Submission:

CeGaT Center for Human Genetics Tuebingen
Classification: Likely benign. Last evaluated: 2022-03-01. Review status: criteria provided, single submitter. Criteria: CeGaT Center For Human Genetics Tuebingen Variant Classification Criteria Version 2. Collection method: clinical testing. Allele origin: germline. Affected: yes. Observed: 1 variant allele.
Comment: C4orf54: PM2:Supporting, BP4, BP7